The following is an entry in ClinVar:

NM_015721.3(GEMIN4):c.2024T>G (p.Ile675Ser)

Gene: GEMIN4 (gem nuclear organelle associated protein 4; minus strand). Cytogenetic location: 17p13.3.
Variant type: single nucleotide variant.
Coding change: c.2024T>G on transcript NM_015721.3 (MANE Select); coding-DNA position 2024, T replaced by G.
Protein change: p.Ile675Ser; replaces isoleucine 675 with serine.
Molecular consequence: missense variant.
Genome position (GRCh38, 1-based): chr17:746,019, A>C on the plus strand (T>G on the coding strand, the complement: GEMIN4 is on the minus strand). VCF-style: chr17-746019-A-C. GRCh37 (hg19) VCF-style: chr17-649259-A-C.
Other names: short protein forms I675S.
Identifiers: ClinVar variation 3781102 (VCV003781102.1).

ClinVar aggregate classification (germline): Uncertain significance (1 of 4 stars; one submission).

Submission:

GeneDx
Classification: Uncertain significance. Last evaluated: 2024-10-10. Review status: criteria provided, single submitter. Criteria: GeneDx Variant Classification Process June 2021. Collection method: clinical testing. Allele origin: germline. Affected: yes.
Comment: Not observed at significant frequency in large population cohorts (gnomAD); In silico analysis indicates that this missense variant does not alter protein structure/function; Has not been previously published as pathogenic or benign to our knowledge